The following is an entry in ClinVar:

NM_005862.3(STAG1):c.942A>C (p.Glu314Asp)

Gene: STAG1 (STAG1 cohesin complex component; minus strand). Cytogenetic location: 3q22.3.
Variant type: single nucleotide variant.
Coding change: c.942A>C on transcript NM_005862.3 (MANE Select); coding-DNA position 942, A replaced by C.
Protein change: p.Glu314Asp; replaces glutamic acid 314 with aspartic acid.
Molecular consequence: missense variant.
Genome position (GRCh38, 1-based): chr3:136,477,373, T>G on the plus strand (A>C on the coding strand, the complement: STAG1 is on the minus strand). VCF-style: chr3-136477373-T-G. GRCh37 (hg19) VCF-style: chr3-136196215-T-G.
Other names: short protein forms E314D.
Identifiers: ClinVar variation 3359978 (VCV003359978.2).
Genomic context (GRCh38, chr3:136,477,373, plus strand): 5'-ATATTTTAGGTAACTGTCATTTAGGAAGGCATCACTATACATTTTCATCCATACTCCAAT[T>G]TCTTCAATACAAATGGCTCTAATCTCAGCAATAGCATCACTAGAGAGAGAAAAAAAAGAC-3'
Protein context (NP_005853.2, residues 304-324): IAEIRAICIE[Glu314Asp]IGVWMKMYSD

ClinVar aggregate classification (germline): Uncertain significance (1 of 4 stars; one submission).

Submission:

GeneDx
Classification: Uncertain significance. Last evaluated: 2025-02-04. Review status: criteria provided, single submitter. Criteria: GeneDx Variant Classification Process June 2021. Collection method: clinical testing. Allele origin: germline.
Comment: Not observed at significant frequency in large population cohorts (gnomAD); In silico analysis supports that this missense variant has a deleterious effect on protein structure/function; Has not been previously published as pathogenic or benign to our knowledge